The following is an entry in ClinVar:

ClinVar aggregate classification (germline): Uncertain significance (1 of 4 stars; one submission).

Conditions:
Inborn genetic diseases. Identifiers: MedGen C0950123, MeSH D030342.

Submission:

Ambry Genetics
Classification: Uncertain significance for Inborn genetic diseases. Last evaluated: 2020-03-19. Review status: criteria provided, single submitter. Criteria: Ambry Variant Classification Scheme 2023. Collection method: clinical testing. Allele origin: germline.
Comment: The alteration results in an amino acid change:_x000D_ _x000D_ The c.655G>C (p.E219Q) alteration is located in exon 8 (coding exon 5) of the SYT1 gene. This alteration results from a G to C substitution at nucleotide position 655, causing the glutamic acid (E) at amino acid position 219 to be replaced by a glutamine (Q). The alteration is not observed in population databases:_x000D_ _x000D_ Based on data from the Genome Aggregation Database (gnomAD), the SYT1 c.655G>C alteration was not observed, with coverage at this position. The altered amino acid is conserved throughout evolution:_x000D_ _x000D_ The p.E219 amino acid is conserved in available vertebrate species. The alteration is predicted tolerated by in silico modeling:_x000D_ _x000D_ The p.E219Q alteration is predicted to be tolerated by in silico analysis. Based on insufficient or conflicting evidence, the clinical significance of this alteration remains unclear.

NM_005639.3(SYT1):c.655G>C (p.Glu219Gln)

Gene: SYT1 (synaptotagmin 1; plus strand). Cytogenetic location: 12q21.2.
Variant type: single nucleotide variant.
Coding change: c.655G>C on transcript NM_005639.3 (MANE Select); coding-DNA position 655, G replaced by C.
Protein change: p.Glu219Gln; replaces glutamic acid 219 with glutamine.
Molecular consequence: missense variant.
Genome position (GRCh38, 1-based): chr12:79,299,396, G>C. VCF-style: chr12-79299396-G-C. GRCh37 (hg19) VCF-style: chr12-79693176-G-C.
Other names: c.655G>C, p.Glu219Gln (NM_001135805.2, NM_001135806.2, NM_001415938.1 and 2 more transcripts); c.646G>C, p.Glu216Gln (NM_001291901.2, NM_001415941.1, NM_001415942.1 and 1 more transcripts); short protein forms E216Q, E219Q.
Identifiers: ClinVar variation 2226685 (VCV002226685.2), dbSNP rs2547661142, ClinGen allele CA385929969.